The following is an entry in ClinVar:

ClinVar aggregate classification (germline): Uncertain significance. Review status: criteria provided, multiple submitters, no conflicts (2 of 4 stars). 4 submissions from 4 submitters: Uncertain significance (3). 1 of the submissions does not count toward it. Last evaluated 2021-04-05.

Conditions:
Xeroderma pigmentosum, group G (XPG). Also called: XERODERMA PIGMENTOSUM VII; XP, GROUP G; Xeroderma pigmentosum type 7; ERCC5-Related Xeroderma Pigmentosum. Identifiers: MedGen C0268141, MONDO:0010216, OMIM 278780.
Cerebrooculofacioskeletal syndrome 3 (COFS3). Identifiers: MedGen C1851443, MONDO:0014696, OMIM 616570.
Hereditary cancer-predisposing syndrome. Also called: Tumor predisposition; Neoplastic Syndromes, Hereditary; Hereditary Cancer Syndrome; Hereditary neoplastic syndrome. Identifiers: Orphanet 140162, MedGen C0027672, MeSH D009386, MONDO:0015356.

Allele frequency attached by ClinVar (database versions not stated): gnomAD exomes 0.00005 and 0.00012; 1000 Genomes Project 0.00040; gnomAD 0.00005 and 0.00003; ExAC 0.00006; TOPMed 0.00008; 1000 Genomes Project 30x 0.00047.
gnomAD v4.1: 88 of 1,614,090 alleles (0.0055%); highest among the groups gnomAD compares: East Asian, 0.19%; no homozygotes.

Submissions (4):

Sema4
Classification: Uncertain significance for Hereditary cancer-predisposing syndrome. Last evaluated: 2021-04-05. Review status: criteria provided, single submitter. Criteria: Sema4 Curation Guidelines. Collection method: curation. Allele origin: germline.
Comment: To the best of our knowledge, the ERCC5 c.876A>G (p.I292M) variant has not been reported in individuals with ERCC5-related disease. It was observed in 31/19950 chromosomes of the East Asian subpopulation, with no homozygotes, in the large and broad cohorts of the Genome Aggregation Database. The variant has been reported in ClinVar (Variation ID 134183). Functional studies have not been performed, and in silico predictions of the variant's effect on protein function are inconclusive. The evidence is insufficient to meet ACMG/AMP criteria for classifying the variant as benign or pathogenic. Thus, the clinical significance of this variant is currently uncertain.

Illumina Laboratory Services, Illumina
Classification: Uncertain significance for Xeroderma pigmentosum, group G. Last evaluated: 2018-01-12. Review status: criteria provided, single submitter. Criteria: ICSL Variant Classification Criteria 13 December 2019. Collection method: clinical testing. Allele origin: germline.

Juno Genomics, Hangzhou Juno Genomics, Inc
Classification: Uncertain significance for Cerebrooculofacioskeletal syndrome 3; Xeroderma pigmentosum, group G. Review status: criteria provided, single submitter. Criteria: ACMG Guidelines, 2015. Collection method: clinical testing. Allele origin: germline. Affected: yes.
Comment: Absent from controls (or at extremely low frequency if recessive) in Genome Aggregation Database.;For recessive disorders, detected in trans with a pathogenic variant.;Patient's phenotype or family history is highly specific for a disease with a single genetic etiology.

ITMI
No classification provided. Condition: AllHighlyPenetrant. Last evaluated: 2013-09-19. Review status: no classification provided. Collection method: reference population. Allele origin: germline. Not counted in ClinVar's aggregate classification.
Comment: Please see associated publication for description of ethnicities

Literature cited by the submitters: PubMed 24728327 (cited by ITMI).

NM_000123.4(ERCC5):c.876A>G (p.Ile292Met)

Genes: BIVM-ERCC5 (BIVM-ERCC5 readthrough; plus strand), ERCC5 (ERCC excision repair 5, endonuclease; plus strand). Cytogenetic location: 13q33.1.
Variant type: single nucleotide variant.
Coding change: c.876A>G on transcript NM_000123.4 (MANE Select); coding-DNA position 876, A replaced by G.
Protein change: p.Ile292Met; replaces isoleucine 292 with methionine.
Molecular consequence: missense variant.
Genome position (GRCh38, 1-based): chr13:102,861,710, A>G. VCF-style: chr13-102861710-A-G. GRCh37 (hg19) VCF-style: chr13-103514060-A-G.
Other names: c.2238A>G, p.Ile746Met (NM_001204425.2); short protein forms I292M, I746M.
Identifiers: ClinVar variation 134183 (VCV000134183.7), dbSNP rs193097418, ClinGen allele CA159034.
Genomic context (GRCh38, chr13:102,861,710, plus strand): 5'-TCTGAAGGAGGTAGAGTCAAGGAGAGTGGTCTCTGAAGACACTTCACATTACATCTTGAT[A>G]AAAGGTATCAGGCACCATCATTTATATATTTACATTAAAAAATCAAAGATATATCATGAC-3'
Protein context (NP_000114.3, residues 282-302): VSEDTSHYIL[Ile292Met]KGIQAKTVAE